The following is an entry in ClinVar:

NM_138572.3(TAF8):c.*2188T>A

Gene: TAF8 (TATA-box binding protein associated factor 8; plus strand). Cytogenetic location: 6p21.1.
Variant type: single nucleotide variant.
Coding change: c.*2188T>A on transcript NM_138572.3 (MANE Select); 2188 bases downstream of the stop codon, T replaced by A.
Molecular consequence: 3 prime UTR variant. On other transcripts: intron variant (2).
Genome position (GRCh38, 1-based): chr6:42,079,733, T>A. VCF-style: chr6-42079733-T-A. GRCh37 (hg19) VCF-style: chr6-42047471-T-A.
Other names: c.920+2494T>A (NM_001410907.1); c.921-3T>A (NM_001410906.1).
Identifiers: ClinVar variation 2656546 (VCV002656546.24), dbSNP rs112428683, ClinGen allele CA138148866.

ClinVar aggregate classification (germline): Likely benign (1 of 4 stars; one submission).

Allele frequency attached by ClinVar (database versions not stated): gnomAD exomes 0.00041; gnomAD 0.00058; 1000 Genomes Project 30x 0.00062.
gnomAD v4.1: 271 of 597,632 alleles (0.045%); highest among the groups gnomAD compares: Non-Finnish European, 0.053%; no homozygotes.

Submission:

CeGaT Center for Human Genetics Tuebingen
Classification: Likely benign. Last evaluated: 2026-04-01. Review status: criteria provided, single submitter. Criteria: CeGaT Center For Human Genetics Tuebingen Variant Classification Criteria Version 2. Collection method: clinical testing. Allele origin: germline. Affected: yes. Observed: 3 variant alleles.
Comment: TAF8: BP4